The following is an entry in ClinVar:

ClinVar aggregate classification (germline): Uncertain significance. Review status: criteria provided, multiple submitters, no conflicts (2 of 4 stars). 2 submissions from 2 submitters: Uncertain significance (2). Last evaluated 2022-09-29.

Conditions:
Inborn genetic diseases. Identifiers: MedGen C0950123, MeSH D030342.

Allele frequency attached by ClinVar (database versions not stated): ExAC 0.00002; gnomAD exomes 0.00002; gnomAD 0.00005 and 0.00006; TOPMed 0.00006; ESP Exome Variant Server 0.00008.
gnomAD v4.1: 39 of 1,613,036 alleles (0.0024%); highest among the groups gnomAD compares: African/African-American, 0.013%; no homozygotes.

Submissions (2):

Ambry Genetics
Classification: Uncertain significance for Inborn genetic diseases. Last evaluated: 2022-09-29. Review status: criteria provided, single submitter. Criteria: Ambry Variant Classification Scheme 2023. Collection method: clinical testing. Allele origin: germline.

GeneDx
Classification: Uncertain significance. Last evaluated: 2021-10-06. Review status: criteria provided, single submitter. Criteria: GeneDx Variant Classification Process June 2021. Collection method: clinical testing. Allele origin: germline. Affected: yes.
Comment: In silico analysis supports that this missense variant has a deleterious effect on protein structure/function; Has not been previously published as pathogenic or benign to our knowledge

NM_020191.4(MRPS22):c.766C>T (p.Arg256Cys)

Gene: MRPS22 (mitochondrial ribosomal protein S22; plus strand). Cytogenetic location: 3q23.
Variant type: single nucleotide variant.
Coding change: c.766C>T on transcript NM_020191.4 (MANE Select); coding-DNA position 766, C replaced by T.
Protein change: p.Arg256Cys; replaces arginine 256 with cysteine.
Molecular consequence: missense variant.
Genome position (GRCh38, 1-based): chr3:139,352,680, C>T. VCF-style: chr3-139352680-C-T. GRCh37 (hg19) VCF-style: chr3-139071522-C-T.
Other names: c.643C>T, p.Arg215Cys (NM_001363857.1); c.763C>T, p.Arg255Cys (NM_001363893.1); short protein forms R215C, R255C, R256C.
Identifiers: ClinVar variation 1317492 (VCV001317492.3), dbSNP rs367924368, ClinGen allele CA2640807.